The following is an entry in ClinVar:

NM_000540.3(RYR1):c.14581C>T (p.Arg4861Cys)

Gene: RYR1 (ryanodine receptor 1; plus strand). Cytogenetic location: 19q13.2.
Variant type: single nucleotide variant.
Coding change: c.14581C>T on transcript NM_000540.3 (MANE Select); coding-DNA position 14581, C replaced by T.
Protein change: p.Arg4861Cys; replaces arginine 4861 with cysteine.
Molecular consequence: missense variant.
Genome position (GRCh38, 1-based): chr19:38,580,439, C>T. VCF-style: chr19-38580439-C-T. GRCh37 (hg19) VCF-style: chr19-39071079-C-T.
Other names: NM_000540.2(RYR1):c.14581C>T; c.14566C>T, p.Arg4856Cys (NM_001042723.2); short protein forms R4861C, R4856C.
Identifiers: ClinVar variation 65986 (VCV000065986.33), dbSNP rs118192181, ClinGen allele CA024185.

ClinVar aggregate classification (germline): Uncertain significance. Review status: reviewed by expert panel (3 of 4 stars). 18 submissions from 18 submitters: Uncertain significance (1). 17 of the submissions do not count toward it. Last evaluated 2025-08-01.

Conditions:
RYR1-related disorder. Also called: RYR1-related disorders; RYR1-related condition. Identifiers: MedGen CN239331.
Malignant hyperthermia of anesthesia. Also called: Anesthesic-triggered malignant hyperthermia. Identifiers: Orphanet 423, MedGen C0024591, MONDO:0018493, HP:0034733.
Central core myopathy (CMYO1A). Also called: Central core disease; Myopathy, central fibrillar; CONGENITAL MYOPATHY 1A, AUTOSOMAL DOMINANT, WITH SUSCEPTIBILITY TO MALIGNANT HYPERTHERMIA. Identifiers: Orphanet 597, MedGen C5830701, MONDO:0007294, OMIM 117000.
Congenital multicore myopathy with external ophthalmoplegia (CMYO1B). Also called: Minicore myopathy with external ophthalmoplegia; Congenital myopathy 1B, autosomal recessive; Minicore myopathy; MULTICORE MYOPATHY; MULTIMINICORE DISEASE WITH EXTERNAL OPHTHALMOPLEGIA. Identifiers: Orphanet 598, Orphanet 98905, MedGen C1850674, MONDO:0009712, OMIM 255320, HP:0003789.

gnomAD v4.1: 1 of 1,614,120 alleles (0.000062%); highest among the groups gnomAD compares: Non-Finnish European, 0.000085%; no homozygotes.

Submissions 1 to 5 of 18:

ClinGen Malignant Hyperthermia Susceptibility Variant Curation Expert Panel, ClinGen
Classification: Uncertain significance for Malignant hyperthermia of anesthesia. Last evaluated: 2025-08-01. Review status: reviewed by expert panel. Criteria: ClinGen MHS ACMG Specifications V2. Collection method: curation. Allele origin: germline. Inheritance: Autosomal dominant inheritance.
Comment: This pathogenicity assessment is relevant only for malignant hyperthermia susceptibility (MHS) inherited in an autosomal dominant pattern. Variants in RYR1 can also cause other myopathies inherited in an autosomal dominant pattern or in an autosomal recessive pattern. Some of these disorders may predispose individuals to malignant hyperthermia. RYR1 variants may also contribute to a malignant hyperthermia reaction in combination with other genetic and non-genetic factors and the clinician needs to consider such factors in making management decisions. This sequence variant predicts a substitution of arginine with cysteine at codon 4861 of the RYR1 protein, p.(Arg4861Cys). This variant was not present in a large population database (gnomAD) at the time this variant was interpreted. This variant has been reported in an individual with a personal or family history of an MH episode and a positive in vitro contracture test (IVCT) or caffeine halothane contracture test (CHCT) result (if the proband was unavailable for testing, a positive diagnostic test result in a mutation-positive relative was counted), PS4_Supporting (PMID:30236257). This variant has also been reported in many individuals with myopathy without reported MH events, these individuals were not considered for PS4 as this assessment is specific to MH inherited in an autosomal dominant pattern (PMID:12565913, PMID:16621918, PMID:17226826 and others). Another variant has been assessed as likely pathogenic occurs at this codon, p.(Arg4861His), PM5_Supporting (PMID: 23558838). No functional studies were identified for this variant. This variant resides in a region of RYR1 considered to be a hotspot for pathogenic variants that contribute to MHS, PM1_Supporting (PMID: 21118704). A REVEL score >0.85 (0.912) supports a pathogenic status for this variant, PP3_Moderate. This variant has been classified as a Variant of Uncertain Significance. Criteria implemented: PS4_Supporting, PM1_Supporting, PM5_Supporting, PP3_Moderate.

Labcorp Genetics (formerly Invitae), Labcorp
Classification: Pathogenic for RYR1-related disorder. Last evaluated: 2026-01-09. Review status: criteria provided, single submitter. Criteria: Invitae Variant Classification Sherloc (09022015). Collection method: clinical testing. Allele origin: germline. Not counted in ClinVar's aggregate classification.
Comment: This sequence change replaces arginine, which is basic and polar, with cysteine, which is neutral and slightly polar, at codon 4861 of the RYR1 protein (p.Arg4861Cys). This variant is not present in population databases (gnomAD no frequency). This missense change has been observed in individual(s) with neonatal onset myopathy as well as central core disease (CCD) (PMID: 12565913, 17483490, 23553484, 25960145, 26684984). In at least one individual the variant was observed to be de novo. ClinVar contains an entry for this variant (Variation ID: 65986). Invitae Evidence Modeling of protein sequence and biophysical properties (such as structural, functional, and spatial information, amino acid conservation, physicochemical variation, residue mobility, and thermodynamic stability) indicates that this missense variant is expected to disrupt RYR1 protein function with a positive predictive value of 80%. This variant disrupts the p.Arg4861 amino acid residue in RYR1. Other variant(s) that disrupt this residue have been determined to be pathogenic (PMID: 11709545, 12565913, 16621918, 23394784, 25521991). This suggests that this residue is clinically significant, and that variants that disrupt this residue are likely to be disease-causing. For these reasons, this variant has been classified as Pathogenic.

3billion
Classification: Pathogenic for Central core myopathy. Last evaluated: 2025-02-12. Review status: criteria provided, single submitter. Criteria: ACMG Guidelines, 2015. Collection method: clinical testing. Allele origin: germline. Affected: yes. Not counted in ClinVar's aggregate classification.
Comment: The variant is observed at an extremely low frequency in the gnomAD v4.1.0 dataset (total allele frequency: <0.001%). Predicted Consequence/Location: Missense variant In silico tool predictions suggest damaging effect of the variant on gene or gene product [REVEL: 0.92 (>=0.6, sensitivity 0.68 and specificity 0.92); 3Cnet: 0.98 (>=0.6, sensitivity 0.72 and precision 0.9)]. The same nucleotide change resulting in the same amino acid change has been previously reported as pathogenic/likely pathogenic with strong evidence (ClinVar ID: VCV000065986 /PMID: 12565913 /3billion dataset). The variant has been previously reported as assumed (i.e. paternity and maternity not confirmed) de novo in at least one similarly affected unrelated individual (PMID: 12565913). Different missense changes at the same codon (p.Arg4861Gly, p.Arg4861His, p.Arg4861Pro, p.Arg4861Ser) have been reported as pathogenic/likely pathogenic with strong evidence (ClinVar ID: VCV000012982, VCV000943431, VCV001066439, VCV002027376 /PMID: 11709545 /3billion dataset). Therefore, this variant is classified as Pathogenic according to the recommendation of ACMG/AMP guideline.

Dubai Health Genomic Medicine Center, Dubai Health
Classification: Pathogenic for Congenital myopathy 1B, autosomal recessive. Last evaluated: 2024-10-04. Review status: criteria provided, single submitter. Criteria: ACMG Guidelines, 2015. Collection method: research. Allele origin: germline. Affected: yes. Not counted in ClinVar's aggregate classification.
Comment: PS2_VeryStrong, PP4, PM2, PM5, PM1

Victorian Clinical Genetics Services, Murdoch Childrens Research Institute
Classification: Pathogenic for Central core myopathy. Last evaluated: 2024-09-21. Review status: criteria provided, single submitter. Criteria: ACMG Guidelines, 2015. Collection method: clinical testing. Allele origin: germline. Inheritance: Autosomal dominant inheritance. Affected: yes. Not counted in ClinVar's aggregate classification.
Comment: Based on the classification scheme VCGS_Germline_v1.3.4, this variant is classified as Pathogenic. Following criteria are met: 0103 - Loss of function and gain of function are known mechanisms of disease in this gene and are associated with RYR1-related disorders (OMIM). Gain of function mechanism has been described in the context of malignant hyperthermia susceptibility 1 (MIM#145600) and autosomal dominant congenital myopathy 1A with susceptibility to malignant hyperthermia (MIM#117000). Autosomal recessive congenital myopathy 1B (MIM#255320) is associated with a loss of function mechanism (PMIDs: 27855725, 23919265). The mechanism of King-Denborough syndrome (MIM#619542) is unclear. (I) 0108 - This gene is associated with both recessive and dominant disease (OMIM). (I) 0200 - Variant is predicted to result in a missense amino acid change from arginine to cysteine. (I) 0251 - This variant is heterozygous. (I) 0301 - Variant is absent from gnomAD (both v2 and v3). (SP) 0501 - Missense variant consistently predicted to be damaging by multiple in silico tools or highly conserved with a major amino acid change. (SP) 0602 - Variant is located in a hotspot region or cluster of pathogenic variants. This variant is within one of the three enriched hotspot regions enriched for autosomal dominant RYR1 variants (PMID: 33767344). (SP) 0801 - This variant has strong previous evidence of pathogenicity in unrelated individuals. This variant has been identified in more than ten individuals, including at least four de novo, with RYR1-related features, particularly central core disease (ClinVar, PMID: 12565913). However, this variant has been classified as VUS for malignant hyperthermia susceptibility (MHS) by an expert panel in ClinVar. (SP) Legend: (SP) - Supporting pathogenic, (I) - Information, (SB) - Supporting benign